The following is an entry in ClinVar:

NM_000431.4(MVK):c.431G>T (p.Gly144Val)

Gene: MVK (mevalonate kinase; plus strand). Cytogenetic location: 12q24.11.
Variant type: single nucleotide variant.
Coding change: c.431G>T on transcript NM_000431.4 (MANE Select); coding-DNA position 431, G replaced by T.
Protein change: p.Gly144Val; replaces glycine 144 with valine.
Molecular consequence: missense variant. On other transcripts: 5 prime UTR variant (1), non-coding transcript variant (3), intron variant (2).
Genome position (GRCh38, 1-based): chr12:109,581,454, G>T. VCF-style: chr12-109581454-G-T. GRCh37 (hg19) VCF-style: chr12-110019259-G-T.
Other names: c.431G>T, p.Gly144Val (NM_001114185.3, NM_001414511.1, NM_001414512.1 and 1 more transcripts); c.-152G>T (NM_001414515.1); c.371+1508G>T (NM_001414514.1, NM_001301182.2); short protein forms G144V.
Identifiers: ClinVar variation 3366602 (VCV003366602.1).

ClinVar aggregate classification (germline): Uncertain significance (1 of 4 stars; one submission).

gnomAD v4.1: 1 of 1,614,062 alleles (0.000062%); highest among the groups gnomAD compares: Admixed American, 0.0017%; no homozygotes.

Submission:

Women's Health and Genetics/Laboratory Corporation of America, LabCorp
Classification: Uncertain significance. Last evaluated: 2024-08-26. Review status: criteria provided, single submitter. Criteria: LabCorp Variant Classification Summary - May 2015. Collection method: clinical testing. Allele origin: germline.
Comment: Variant summary: MVK c.431G>T (p.Gly144Val) results in a non-conservative amino acid change located in the GHMP kinase N-terminal domain (IPR006204) of the encoded protein sequence. Five of five in-silico tools predict a damaging effect of the variant on protein function. The variant was absent in 251284 control chromosomes. The available data on variant occurrences in the general population are insufficient to allow any conclusion about variant significance. c.431G>T has been reported in the literature in at least one compound heterozygous individual affected with Mevalonic aciduria (Karacan_2019). These data do not allow any conclusion about variant significance. To our knowledge, no experimental evidence demonstrating an impact on protein function has been reported. The following publication has been ascertained in the context of this evaluation (PMID: 30783801). No submitters have cited clinical-significance assessments for this variant to ClinVar. Based on the evidence outlined above, the variant was classified as uncertain significance.

Literature cited by the submitters: PubMed 30783801.